The following is an entry in ClinVar:

NM_000969.5(RPL5):c.705+4A>G

Genes: DIPK1A (divergent protein kinase domain 1A; minus strand), RPL5 (ribosomal protein L5; plus strand). Cytogenetic location: 1p22.1.
Variant type: single nucleotide variant.
Coding change: c.705+4A>G on transcript NM_000969.5 (MANE Select); 4 bases into the intron after coding-DNA position 705, A replaced by G.
Molecular consequence: intron variant.
Genome position (GRCh38, 1-based): chr1:92,837,637, A>G. VCF-style: chr1-92837637-A-G. GRCh37 (hg19) VCF-style: chr1-93303194-A-G.
Other names: c.475-4603T>C (NM_001252273.2).
Identifiers: ClinVar variation 2827851 (VCV002827851.3), dbSNP rs2524463020, ClinGen allele CA2739272641.
Genomic context (GRCh38, chr1:92,837,637, plus strand): 5'-GATGCTTACAAGAAACAGTTCTCTCAATACATAAAGAACAGCGTAACTCCAGACATGGTA[A>G]AACATTTACCTAAAAATGCCTATATTGGTTAATTTATGGAAATAGGTTTATTACTTGTTT-3'

ClinVar aggregate classification (germline): Uncertain significance (1 of 4 stars; one submission).

Conditions:
Diamond-Blackfan anemia. Also called: Blackfan Diamond syndrome; Aregenerative anemia chronic congenital; Red cell aplasia, pure hereditary; Congenital hypoplastic anemia; Aase syndrome. Identifiers: Orphanet 124, MedGen C1260899, MeSH D029503, MONDO:0015253, HP:0004810.

Submission:

Labcorp Genetics (formerly Invitae), Labcorp
Classification: Uncertain significance for Diamond-Blackfan anemia. Last evaluated: 2023-01-12. Review status: criteria provided, single submitter. Criteria: Invitae Variant Classification Sherloc (09022015). Collection method: clinical testing. Allele origin: germline.
Comment: This variant is not present in population databases (gnomAD no frequency). This sequence change falls in intron 6 of the RPL5 gene. It does not directly change the encoded amino acid sequence of the RPL5 protein. It affects a nucleotide within the consensus splice site. This variant has not been reported in the literature in individuals affected with RPL5-related conditions. In summary, the available evidence is currently insufficient to determine the role of this variant in disease. Therefore, it has been classified as a Variant of Uncertain Significance. Variants that disrupt the consensus splice site are a relatively common cause of aberrant splicing (PMID: 17576681, 9536098). Algorithms developed to predict the effect of sequence changes on RNA splicing suggest that this variant is not likely to affect RNA splicing.

Literature cited by the submitters: PubMed 17576681; PubMed 9536098.